The following is an entry in ClinVar:

ClinVar aggregate classification (germline): Uncertain significance (1 of 4 stars; one submission).

Conditions:
Wilson disease (WND). Also called: Wilson's disease. Identifiers: Orphanet 905, MedGen C0019202, MONDO:0010200, OMIM 277900. Disease mechanism: loss of function.

gnomAD v4.1: 22 of 1,614,156 alleles (0.0014%); highest among the groups gnomAD compares: Admixed American, 0.018%; no homozygotes.

Submission:

Color Diagnostics, LLC DBA Color Health
Classification: Uncertain significance for Wilson disease. Last evaluated: 2022-09-15. Review status: criteria provided, single submitter. Criteria: ACMG Guidelines, 2015. Collection method: clinical testing. Allele origin: germline.
Comment: This missense variant replaces aspartic acid with glutamic acid at codon 1047 of the ATP7B protein. Computational prediction suggests that this variant may not impact protein structure and function. To our knowledge, functional studies have not been reported for this variant. This variant has not been reported in individuals affected with wilson disease in the literature. This variant has been identified in 12/280624 chromosomes in the general population by the Genome Aggregation Database (gnomAD). The available evidence is insufficient to determine the role of this variant in disease conclusively. Therefore, this variant is classified as a Variant of Uncertain Significance.

NM_000053.4(ATP7B):c.3141T>A (p.Asp1047Glu)

Gene: ATP7B (ATPase copper transporting beta; minus strand). Cytogenetic location: 13q14.3.
Variant type: single nucleotide variant.
Coding change: c.3141T>A on transcript NM_000053.4 (MANE Select); coding-DNA position 3141, T replaced by A.
Protein change: p.Asp1047Glu; replaces aspartic acid 1047 with glutamic acid.
Molecular consequence: missense variant. On other transcripts: intron variant (1).
Genome position (GRCh38, 1-based): chr13:51,944,211, A>T on the plus strand (T>A on the coding strand, the complement: ATP7B is on the minus strand). VCF-style: chr13-51944211-A-T. GRCh37 (hg19) VCF-style: chr13-52518347-A-T.
Other names: c.3006T>A, p.Asp1002Glu (NM_001406519.1); c.2520T>A, p.Asp840Glu (NM_001005918.3); c.2808T>A, p.Asp936Glu (NM_001243182.2); c.2907T>A, p.Asp969Glu (NM_001330578.2, NM_001406538.1, NM_001406527.1 and 1 more transcripts); c.2889T>A, p.Asp963Glu (NM_001330579.2, NM_001406531.1, NM_001406532.1); c.3141T>A, p.Asp1047Glu (NM_001406511.1, NM_001406512.1, NM_001406526.1); c.3135T>A, p.Asp1045Glu (NM_001406513.1); c.3108T>A, p.Asp1036Glu (NM_001406514.1); and 19 more; short protein forms D1002E, D1015E, D1029E, D1036E, D1045E, D1047E, D617E, D766E.
Identifiers: ClinVar variation 4758525 (VCV004758525.1).